The following is an entry in ClinVar:

NM_022455.5(NSD1):c.6314G>A (p.Gly2105Glu)

Gene: NSD1 (nuclear receptor binding SET domain protein 1; plus strand). Cytogenetic location: 5q35.3.
Variant type: single nucleotide variant.
Coding change: c.6314G>A on transcript NM_022455.5 (MANE Select); coding-DNA position 6314, G replaced by A.
Protein change: p.Gly2105Glu; replaces glycine 2105 with glutamic acid.
Molecular consequence: missense variant.
Genome position (GRCh38, 1-based): chr5:177,292,009, G>A. VCF-style: chr5-177292009-G-A. GRCh37 (hg19) VCF-style: chr5-176719010-G-A.
Other names: c.5441G>A, p.Gly1814Glu (NM_001365684.2, NM_001409308.1, NM_172349.5); c.6314G>A, p.Gly2105Glu (NM_001409301.1, NM_001409302.1, NM_001409303.1); c.5894G>A, p.Gly1965Glu (NM_001409304.1); c.5561G>A, p.Gly1854Glu (NM_001409305.1); c.5552G>A, p.Gly1851Glu (NM_001409306.1, NM_001409307.1); c.5192G>A, p.Gly1731Glu (NM_001409309.1); short protein forms G1731E, G1814E, G1851E, G1854E, G1965E, G2105E.
Identifiers: ClinVar variation 2662237 (VCV002662237.1), dbSNP rs1759874616, ClinGen allele CA362320307.

ClinVar aggregate classification (germline): Uncertain significance (1 of 4 stars; one submission).

Allele frequency attached by ClinVar (database versions not stated): gnomAD exomes below 0.00001; TOPMed below 0.00001.
gnomAD v4.1: 2 of 1,614,078 alleles (0.00012%); highest among the groups gnomAD compares: African/African-American, 0.0013%; no homozygotes.

Submission:

GeneDx
Classification: Uncertain significance. Last evaluated: 2023-05-15. Review status: criteria provided, single submitter. Criteria: GeneDx Variant Classification Process June 2021. Collection method: clinical testing. Allele origin: germline. Affected: yes.
Comment: Not observed at significant frequency in large population cohorts (gnomAD); In silico analysis supports that this missense variant does not alter protein structure/function; Has not been previously published as pathogenic or benign to our knowledge